The following is an entry in ClinVar:

NM_032444.4(SLX4):c.1366+6T>C

Gene: SLX4 (SLX4 structure-specific endonuclease subunit; minus strand). Cytogenetic location: 16p13.3.
Variant type: single nucleotide variant.
Coding change: c.1366+6T>C on transcript NM_032444.4 (MANE Select); 6 bases into the intron after coding-DNA position 1366, T replaced by C.
Molecular consequence: intron variant.
Genome position (GRCh38, 1-based): chr16:3,597,791, A>G on the plus strand (T>C on the coding strand, the complement: SLX4 is on the minus strand). VCF-style: chr16-3597791-A-G. GRCh37 (hg19) VCF-style: chr16-3647792-A-G.
Identifiers: ClinVar variation 1437623 (VCV001437623.3), dbSNP rs756854257, ClinGen allele CA7866551.
Genomic context (GRCh38, chr16:3,597,791, plus strand): 5'-AGTCGGTCCACTCACCCGGGACCTGCTGATGGCCTCTCCCAGGGTCACTCTTCTGATCAC[A>G]CAAACCTGCTTCTGGTCTTATCCTCTCAGAAAAGGCACTTTCCAGCCTGAGCGCTGGTAC-3'

ClinVar aggregate classification (germline): Uncertain significance (1 of 4 stars; one submission).

Conditions:
Fanconi anemia (FA). Also called: Fanconi's anemia. Identifiers: Orphanet 84, MedGen C0015625, MeSH D005199, MONDO:0019391.

Allele frequency attached by ClinVar (database versions not stated): gnomAD exomes below 0.00001 and 0.00001; ExAC 0.00001.
gnomAD v4.1: 3 of 1,614,138 alleles (0.00019%); highest among the groups gnomAD compares: Non-Finnish European, 0.00025%; no homozygotes.

Submission:

Labcorp Genetics (formerly Invitae), Labcorp
Classification: Uncertain significance for Fanconi anemia. Last evaluated: 2022-09-01. Review status: criteria provided, single submitter. Criteria: Invitae Variant Classification Sherloc (09022015). Collection method: clinical testing. Allele origin: germline.
Comment: This sequence change falls in intron 6 of the SLX4 gene. It does not directly change the encoded amino acid sequence of the SLX4 protein. It affects a nucleotide within the consensus splice site. This variant is present in population databases (rs756854257, gnomAD 0.0009%). This variant has not been reported in the literature in individuals affected with SLX4-related conditions. ClinVar contains an entry for this variant (Variation ID: 1437623). Variants that disrupt the consensus splice site are a relatively common cause of aberrant splicing (PMID: 17576681, 9536098). Algorithms developed to predict the effect of sequence changes on RNA splicing suggest that this variant may disrupt the consensus splice site. In summary, the available evidence is currently insufficient to determine the role of this variant in disease. Therefore, it has been classified as a Variant of Uncertain Significance.

Literature cited by the submitters: PubMed 17576681; PubMed 9536098.